The following is an entry in ClinVar:

ClinVar aggregate classification (germline): Uncertain significance (1 of 4 stars; one submission).

Conditions:
Familial hypobetalipoproteinemia 1. Also called: Hypobetalipoproteinemia, normotriglyceridemic; Acanthocytosis with hypobetalipoproteinemia; APOB-Related Familial Hypobetalipoproteinemia. Identifiers: MedGen C4551990, MONDO:0014252, OMIM 615558.
Hypercholesterolemia, autosomal dominant, type B (FHCL2). Also called: Familial Hypercholesterolemia Type B; APOLIPOPROTEIN B-100, FAMILIAL DEFECTIVE; APOLIPOPROTEIN B-100, FAMILIAL LIGAND-DEFECTIVE; HYPERCHOLESTEROLEMIA, FAMILIAL, DUE TO LIGAND-DEFECTIVE APOLIPOPROTEIN B; APOB-Related Familial Hypercholesterolemia, Autosomal Dominant; Hyperlipoproteinemia Type IIb. Identifiers: MedGen C1704417, MONDO:0007751, OMIM 144010.

gnomAD v4.1: 1 of 1,614,062 alleles (0.000062%); no homozygotes.

Submission:

Labcorp Genetics (formerly Invitae), Labcorp
Classification: Uncertain significance for Familial hypobetalipoproteinemia 1; Hypercholesterolemia, autosomal dominant, type B. Last evaluated: 2025-08-20. Review status: criteria provided, single submitter. Criteria: Invitae Variant Classification Sherloc (09022015). Collection method: clinical testing. Allele origin: germline.
Comment: This sequence change replaces alanine, which is neutral and non-polar, with glycine, which is neutral and non-polar, at codon 1830 of the APOB protein (p.Ala1830Gly). This variant is not present in population databases (gnomAD no frequency). This variant has not been reported in the literature in individuals affected with APOB-related conditions. Invitae Evidence Modeling of protein sequence and biophysical properties (such as structural, functional, and spatial information, amino acid conservation, physicochemical variation, residue mobility, and thermodynamic stability) indicates that this missense variant is not expected to disrupt APOB protein function with a negative predictive value of 95%. In summary, the available evidence is currently insufficient to determine the role of this variant in disease. Therefore, it has been classified as a Variant of Uncertain Significance.

NM_000384.3(APOB):c.5489C>G (p.Ala1830Gly)

Gene: APOB (apolipoprotein B; minus strand). Cytogenetic location: 2p24.1.
Variant type: single nucleotide variant.
Coding change: c.5489C>G on transcript NM_000384.3 (MANE Select); coding-DNA position 5489, C replaced by G.
Protein change: p.Ala1830Gly; replaces alanine 1830 with glycine.
Molecular consequence: missense variant.
Genome position (GRCh38, 1-based): chr2:21,011,379, G>C on the plus strand (C>G on the coding strand, the complement: APOB is on the minus strand). VCF-style: chr2-21011379-G-C. GRCh37 (hg19) VCF-style: chr2-21234251-G-C.
Other names: short protein forms A1830G.
Identifiers: ClinVar variation 4792692 (VCV004792692.1).